The following is an entry in ClinVar:

ClinVar aggregate classification (germline): Likely pathogenic (1 of 4 stars; one submission).
ClinVar aggregate classification (oncogenicity): Likely oncogenic (0 of 4 stars; one submission).

Conditions:
Hereditary cancer-predisposing syndrome. Also called: Neoplastic Syndromes, Hereditary; Hereditary Cancer Syndrome; Hereditary neoplastic syndrome; Tumor predisposition. Identifiers: Orphanet 140162, MedGen C0027672, MeSH D009386, MONDO:0015356.
Gastrointestinal stromal tumor. Also called: Gastrointestinal stromal tumor, somatic; Gastrointestinal stroma tumor. Identifiers: Orphanet 44890, MedGen C0238198, MeSH D046152, MONDO:0011719, OMIM 606764, HP:0100723.

Submissions (2):

Ambry Genetics
Classification: Likely pathogenic for Hereditary cancer-predisposing syndrome. Last evaluated: 2024-02-23. Review status: criteria provided, single submitter. Criteria: Ambry Variant Classification Scheme 2023. Collection method: clinical testing. Allele origin: germline.
Comment: The p.V560D variant (also known as c.1679T>A), located in coding exon 11 of the KIT gene, results from a T to A substitution at nucleotide position 1679. The valine at codon 560 is replaced by aspartic acid, an amino acid with highly dissimilar properties. This variant has been observed in at least one individual with a personal and/or family history that is consistent with KIT-related gastrointestinal stromal tumor syndrome (Ambry internal data). Protein functional studies have shown this amino acid to be critical (Ma Y et al. J Biol Chem, 1999 May;274:13399-402). This variant has been identified as a common somatic alteration in gastrointestinal stromal tumors (Taniguchi M et al. Cancer Res, 1999 Sep;59:4297-300; Tarn C et al. Clin Cancer Res, 2005 May;11:3668-77; Gomes AL et al. Am J Clin Pathol, 2007 Jan;127:89-96; Steigen SE et al. APMIS, 2007 Apr;115:289-98; Tokunaga M et al. Intern Med, 2018 Jun;57:1719-1723). Close match alterations (p.V560del, p.V560G) have been observed as germline variants that segregate with disease in patients with gastrointestinal stromal tumors (Kang DY et al. Am J Surg Pathol, 2007 Feb;31:224-32; Bamba S et al. Intern Med, 2015 Apr;54:759-64). This amino acid position is highly conserved in available vertebrate species. In addition, this alteration is predicted to be deleterious by in silico analysis. This variant is considered to be rare based on population cohorts in the Genome Aggregation Database (gnomAD). Based on the majority of available evidence to date, this variant is likely to be pathogenic.

National Institute of Cancer Research, National Health Research Institutes
Classification: Likely oncogenic for Gastrointestinal stromal tumor. Review status: no assertion criteria provided. Collection method: research. Allele origin: somatic. Affected: yes. Observed: 3 variant alleles.
Comment: the literature

Literature cited by the submitters: PubMed 10224103 (cited by Ambry Genetics); PubMed 10485475 (cited by Ambry Genetics); PubMed 15897563 (cited by Ambry Genetics); PubMed 17145623 (cited by Ambry Genetics); PubMed 17255767 (cited by Ambry Genetics); PubMed 17504295 (cited by Ambry Genetics); PubMed 25832938 (cited by Ambry Genetics); PubMed 29434135 (cited by Ambry Genetics).

NM_000222.3(KIT):c.1679T>A (p.Val560Asp)

Gene: KIT (KIT proto-oncogene, receptor tyrosine kinase; plus strand). Cytogenetic location: 4q12.
Variant type: single nucleotide variant.
Coding change: c.1679T>A on transcript NM_000222.3 (MANE Select); coding-DNA position 1679, T replaced by A.
Protein change: p.Val560Asp; replaces valine 560 with aspartic acid.
Molecular consequence: missense variant.
Genome position (GRCh38, 1-based): chr4:54,727,447, T>A. VCF-style: chr4-54727447-T-A. GRCh37 (hg19) VCF-style: chr4-55593613-T-A.
Other names: c.1667T>A, p.Val556Asp (NM_001093772.2, NM_001385286.1); c.1682T>A, p.Val561Asp (NM_001385284.1, NM_001385290.1); c.1679T>A, p.Val560Asp (NM_001385285.1); c.1670T>A, p.Val557Asp (NM_001385288.1, NM_001385292.1); c.1679T>A (NM_000222.2); short protein forms V560D, V556D, V557D, V561D.
Identifiers: ClinVar variation 375914 (VCV000375914.3), dbSNP rs121913521, ClinGen allele CA16602396.